The following is an entry in ClinVar:

NM_000051.4(ATM):c.6166C>A (p.Pro2056Thr)

Genes: ATM (ATM serine/threonine kinase; plus strand), C11orf65 (chromosome 11 open reading frame 65; minus strand). Cytogenetic location: 11q22.3.
Variant type: single nucleotide variant.
Coding change: c.6166C>A on transcript NM_000051.4 (MANE Select); coding-DNA position 6166, C replaced by A.
Protein change: p.Pro2056Thr; replaces proline 2056 with threonine.
Molecular consequence: missense variant. On other transcripts: intron variant (2).
Genome position (GRCh38, 1-based): chr11:108,316,081, C>A. VCF-style: chr11-108316081-C-A. GRCh37 (hg19) VCF-style: chr11-108186808-C-A.
Other names: c.6166C>A, p.Pro2056Thr (NM_001351834.2); c.641-7010G>T (NM_001330368.2); c.*39-7010G>T (NM_001351110.2); short protein forms P2056T.
Identifiers: ClinVar variation 4825505 (VCV004825505.1).

ClinVar aggregate classification (germline): Uncertain significance (1 of 4 stars; one submission).

Conditions:
Hereditary cancer-predisposing syndrome. Also called: Tumor predisposition; Hereditary neoplastic syndrome; Hereditary Cancer Syndrome; Neoplastic Syndromes, Hereditary. Identifiers: Orphanet 140162, MedGen C0027672, MeSH D009386, MONDO:0015356.

gnomAD v4.1: 2 of 1,613,956 alleles (0.00012%); highest among the groups gnomAD compares: Non-Finnish European, 0.000085%; no homozygotes.

Submission:

Ambry Genetics
Classification: Uncertain significance for Hereditary cancer-predisposing syndrome. Last evaluated: 2026-01-23. Review status: criteria provided, single submitter. Criteria: Ambry Variant Classification Scheme 2023. Collection method: clinical testing. Allele origin: germline.
Comment: The p.P2056T variant (also known as c.6166C>A), located in coding exon 41 of the ATM gene, results from a C to A substitution at nucleotide position 6166. The proline at codon 2056 is replaced by threonine, an amino acid with highly similar properties. This amino acid position is conserved. In addition, this alteration is predicted to be tolerated by in silico analysis. Based on the available evidence, the clinical significance of this variant remains unclear.